The following is an entry in ClinVar:

ClinVar aggregate classification (germline): Conflicting classifications of pathogenicity. Review status: criteria provided, conflicting classifications (1 of 4 stars). 6 submissions from 6 submitters: Uncertain significance (1); Benign (3); Likely benign (2). Last evaluated 2026-01-26.

Conditions:
PLEKHG5-related disorder. Also called: PLEKHG5-related condition.
Charcot-Marie-Tooth disease recessive intermediate C. Also called: CHARCOT-MARIE-TOOTH NEUROPATHY, RECESSIVE INTERMEDIATE C. Identifiers: Orphanet 369867, MedGen C3809309, MONDO:0014154, OMIM 615376.
Neuronopathy, distal hereditary motor, autosomal recessive 4. Also called: Autosomal recessive lower motor neuron disease with childhood onset; NEUROPATHY, DISTAL HEREDITARY MOTOR, AUTOSOMAL RECESSIVE 4. Identifiers: Orphanet 206580, MedGen C1970211, MONDO:0012608, OMIM 611067.

Allele frequency attached by ClinVar (database versions not stated): gnomAD exomes 0.00030 and 0.00075; ExAC 0.00080; ESP Exome Variant Server 0.00277; 1000 Genomes Project 30x 0.00297; gnomAD 0.00305 and 0.00334; 1000 Genomes Project 0.00339; TOPMed 0.00359.
gnomAD v4.1: 915 of 1,614,030 alleles (0.057%); highest among the groups gnomAD compares: African/African-American, 1.1%; 13 homozygotes.

Submissions (6):

Labcorp Genetics (formerly Invitae), Labcorp
Classification: Benign for Neuronopathy, distal hereditary motor, autosomal recessive 4; Charcot-Marie-Tooth disease recessive intermediate C. Last evaluated: 2026-01-26. Review status: criteria provided, single submitter. Criteria: Invitae Variant Classification Sherloc (09022015). Collection method: clinical testing. Allele origin: germline.

PreventionGenetics, part of Exact Sciences
Classification: Benign for PLEKHG5-related condition. Last evaluated: 2025-02-11. Review status: criteria provided, single submitter. Criteria: ACMG Guidelines, 2015. Collection method: clinical testing. Allele origin: germline.
Comment: This variant is classified as benign based on ACMG/AMP sequence variant interpretation guidelines (Richards et al. 2015 PMID: 25741868, with internal and published modifications).

Mayo Clinic Laboratories, Mayo Clinic
Classification: Benign. Last evaluated: 2023-08-22. Review status: criteria provided, single submitter. Criteria: ACMG Guidelines, 2015. Collection method: clinical testing. Allele origin: germline. Observed: 8 variant alleles.
Comment: BA1, BP4

GeneDx
Classification: Likely benign. Last evaluated: 2020-12-18. Review status: criteria provided, single submitter. Criteria: GeneDx Variant Classification Process June 2021. Collection method: clinical testing. Allele origin: germline. Affected: yes.

Illumina Laboratory Services, Illumina
Classification: Likely benign for Neuronopathy, distal hereditary motor, autosomal recessive 4. Last evaluated: 2018-01-13. Review status: criteria provided, single submitter. Criteria: ICSL Variant Classification Criteria 13 December 2019. Collection method: clinical testing. Allele origin: germline.
Comment: This variant was observed in the ICSL laboratory as part of a predisposition screen in an ostensibly healthy population. It had not been previously curated by ICSL or reported in the Human Gene Mutation Database (HGMD: prior to June 1st, 2018), and was therefore a candidate for classification through an automated scoring system. Utilizing variant allele frequency, disease prevalence and penetrance estimates, and inheritance mode, an automated score was calculated to assess if this variant is too frequent to cause the disease. Based on the score and internal cut-off values, a variant classified as likely benign is not then subjected to further curation. The score for this variant resulted in a classification of likely benign for this disease.

CeGaT Center for Human Genetics Tuebingen
Classification: Uncertain significance. Last evaluated: 2017-06-01. Review status: criteria provided, single submitter. Criteria: CeGaT Center For Human Genetics Tuebingen Variant Classification Criteria Version 2. Collection method: clinical testing. Allele origin: germline. Affected: yes. Observed: 1 variant allele.

NM_020631.6(PLEKHG5):c.1724C>T (p.Pro575Leu)

Gene: PLEKHG5 (pleckstrin homology and RhoGEF domain containing G5; minus strand). Cytogenetic location: 1p36.31.
Variant type: single nucleotide variant.
Coding change: c.1724C>T on transcript NM_020631.6 (MANE Select); coding-DNA position 1724, C replaced by T.
Protein change: p.Pro575Leu; replaces proline 575 with leucine.
Molecular consequence: missense variant.
Genome position (GRCh38, 1-based): chr1:6,470,312, G>A on the plus strand (C>T on the coding strand, the complement: PLEKHG5 is on the minus strand). VCF-style: chr1-6470312-G-A. GRCh37 (hg19) VCF-style: chr1-6530372-G-A.
Other names: p.Pro575Leu; c.1835C>T, p.Pro612Leu (NM_001042663.3, NM_001265592.2); c.1724C>T, p.Pro575Leu (NM_001042664.2, NM_001042665.2, NM_001265594.3 and 1 more transcripts); c.1931C>T, p.Pro644Leu (NM_001265593.2); c.1724C>T (NM_020631.5); short protein forms P575L, P644L, P612L.
Identifiers: ClinVar variation 378378 (VCV000378378.92), dbSNP rs77134982, ClinGen allele CA561393.
Genomic context (GRCh38, chr1:6,470,312, plus strand): 5'-TCCTTCATCCTCAGGCTCCCCTCCAGCAGCAGCTGCCGCGTCTCCTCCGGGGAGGCGCCA[G>A]GGATGGGCGCTGTCAAGTCCAGGTGCAGAAATTCCTTCAGGAGCTGGGGACGGATGGCGT-3'
Protein context (NP_065682.2, residues 565-585): FLHLDLTAPI[Pro575Leu]GASPEETRQL